The following is an entry in ClinVar:

ClinVar aggregate classification (germline): Uncertain significance (1 of 4 stars; one submission).

Conditions:
Citrullinemia. Identifiers: Orphanet 187, MedGen C0175683, MONDO:0015991.

Submission:

Labcorp Genetics (formerly Invitae), Labcorp
Classification: Uncertain significance for Citrullinemia. Last evaluated: 2018-12-16. Review status: criteria provided, single submitter. Criteria: Invitae Variant Classification Sherloc (09022015). Collection method: clinical testing. Allele origin: germline.
Comment: In summary, the available evidence is currently insufficient to determine the role of this variant in disease. Therefore, it has been classified as a Variant of Uncertain Significance. Algorithms developed to predict the effect of missense changes on protein structure and function are either unavailable or do not agree on the potential impact of this missense change (SIFT: "Tolerated"; PolyPhen-2: "Possibly Damaging"; Align-GVGD: "Class C0"). This variant has not been reported in the literature in individuals with ASS1-related conditions. This variant is not present in population databases (ExAC no frequency). This sequence change replaces valine with aspartic acid at codon 173 of the ASS1 protein (p.Val173Asp). The valine residue is moderately conserved and there is a large physicochemical difference between valine and aspartic acid.

NM_054012.4(ASS1):c.518T>A (p.Val173Asp)

Gene: ASS1 (argininosuccinate synthase 1; plus strand). Cytogenetic location: 9q34.11.
Variant type: single nucleotide variant.
Coding change: c.518T>A on transcript NM_054012.4 (MANE Select); coding-DNA position 518, T replaced by A.
Protein change: p.Val173Asp; replaces valine 173 with aspartic acid.
Molecular consequence: missense variant.
Genome position (GRCh38, 1-based): chr9:130,470,856, T>A. VCF-style: chr9-130470856-T-A. GRCh37 (hg19) VCF-style: chr9-133346243-T-A.
Other names: c.518T>A, p.Val173Asp (NM_000050.4); short protein forms V173D.
Identifiers: ClinVar variation 644194 (VCV000644194.10), dbSNP rs1588486990, ClinGen allele CA375227130.